The following is an entry in ClinVar:

ClinVar aggregate classification (germline): Uncertain significance (1 of 4 stars; one submission).

Allele frequency attached by ClinVar (database versions not stated): gnomAD exomes below 0.00001; TOPMed 0.00001.
gnomAD v4.1: 5 of 1,613,814 alleles (0.00031%); highest among the groups gnomAD compares: Non-Finnish European, 0.00042%; no homozygotes.

Submission:

Labcorp Genetics (formerly Invitae), Labcorp
Classification: Uncertain significance. Last evaluated: 2023-10-24. Review status: criteria provided, single submitter. Criteria: Invitae Variant Classification Sherloc (09022015). Collection method: clinical testing. Allele origin: germline.
Comment: This sequence change replaces valine, which is neutral and non-polar, with leucine, which is neutral and non-polar, at codon 189 of the ELOVL5 protein (p.Val189Leu). This variant is not present in population databases (gnomAD no frequency). This variant has not been reported in the literature in individuals affected with ELOVL5-related conditions. Advanced modeling of protein sequence and biophysical properties (such as structural, functional, and spatial information, amino acid conservation, physicochemical variation, residue mobility, and thermodynamic stability) performed at Invitae indicates that this missense variant is not expected to disrupt ELOVL5 protein function with a negative predictive value of 80%. In summary, the available evidence is currently insufficient to determine the role of this variant in disease. Therefore, it has been classified as a Variant of Uncertain Significance.

NM_021814.5(ELOVL5):c.565G>C (p.Val189Leu)

Gene: ELOVL5 (ELOVL fatty acid elongase 5; minus strand). Cytogenetic location: 6p12.1.
Variant type: single nucleotide variant.
Coding change: c.565G>C on transcript NM_021814.5 (MANE Select); coding-DNA position 565, G replaced by C.
Protein change: p.Val189Leu; replaces valine 189 with leucine.
Molecular consequence: missense variant. On other transcripts: intron variant (1).
Genome position (GRCh38, 1-based): chr6:53,273,276, C>G on the plus strand (G>C on the coding strand, the complement: ELOVL5 is on the minus strand). VCF-style: chr6-53273276-C-G. GRCh37 (hg19) VCF-style: chr6-53138074-C-G.
Other names: c.565G>C, p.Val189Leu (NM_001301856.2); c.496+1814G>C (NM_001242830.2); c.646G>C, p.Val216Leu (NM_001242828.2); short protein forms V189L, V216L.
Identifiers: ClinVar variation 2959899 (VCV002959899.3), dbSNP rs930059445, ClinGen allele CA139044842.